The following is an entry in ClinVar:

ClinVar aggregate classification (germline): Benign/Likely benign. Review status: criteria provided, multiple submitters, no conflicts (2 of 4 stars). 4 submissions from 4 submitters: Benign (1); Likely benign (3). Last evaluated 2025-10-01.

Conditions:
Inborn genetic diseases. Identifiers: MedGen C0950123, MeSH D030342.

Allele frequency attached by ClinVar (database versions not stated): TOPMed 0.00006; gnomAD 0.00007 and 0.00008; gnomAD exomes 0.00007; ExAC 0.00008.
gnomAD v4.1: 159 of 1,613,966 alleles (0.0099%); highest among the groups gnomAD compares: Non-Finnish European, 0.012%; no homozygotes.

Submissions (4):

CeGaT Center for Human Genetics Tuebingen
Classification: Likely benign. Last evaluated: 2025-10-01. Review status: criteria provided, single submitter. Criteria: CeGaT Center For Human Genetics Tuebingen Variant Classification Criteria Version 2. Collection method: clinical testing. Allele origin: germline. Affected: yes. Observed: 1 variant allele.
Comment: ADNP: BP4, BP7

Labcorp Genetics (formerly Invitae), Labcorp
Classification: Benign. Last evaluated: 2025-06-29. Review status: criteria provided, single submitter. Criteria: Invitae Variant Classification Sherloc (09022015). Collection method: clinical testing. Allele origin: germline.

GeneDx
Classification: Likely benign. Last evaluated: 2020-11-13. Review status: criteria provided, single submitter. Criteria: GeneDx Variant Classification Process June 2021. Collection method: clinical testing. Allele origin: germline. Affected: yes.

Ambry Genetics
Classification: Likely benign for Inborn genetic diseases. Last evaluated: 2018-05-02. Review status: criteria provided, single submitter. Criteria: Ambry Variant Classification Scheme 2023. Collection method: clinical testing. Allele origin: germline.

NM_001282531.3(ADNP):c.2994C>T (p.Asp998=)

Gene: ADNP (activity dependent neuroprotector homeobox; minus strand). Cytogenetic location: 20q13.13.
Variant type: single nucleotide variant.
Coding change: c.2994C>T on transcript NM_001282531.3 (MANE Select); coding-DNA position 2994, C replaced by T.
Protein change: p.Asp998=; no amino-acid change (aspartic acid 998 retained).
Molecular consequence: synonymous variant.
Genome position (GRCh38, 1-based): chr20:50,891,720, G>A on the plus strand (C>T on the coding strand, the complement: ADNP is on the minus strand). VCF-style: chr20-50891720-G-A. GRCh37 (hg19) VCF-style: chr20-49508257-G-A.
Other names: c.2994C>T, p.Asp998= (NM_001282532.2, NM_001347511.2, NM_015339.5 and 1 more transcripts).
Identifiers: ClinVar variation 1188179 (VCV001188179.15), dbSNP rs753268138, ClinGen allele CA9908475.